The following is an entry in ClinVar:

ClinVar aggregate classification (germline): Uncertain significance. Review status: criteria provided, multiple submitters, no conflicts (2 of 4 stars). 2 submissions from 2 submitters: Uncertain significance (2). Last evaluated 2021-10-05.

Conditions:
Paramyotonia congenita of Von Eulenburg. Also called: PARALYSIS PERIODICA PARAMYOTONICA; Paramyotonia Congenita; Eulenburg disease; Myotonia congenita intermittens; Von Eulenburg paramyotonia congenita. Identifiers: Orphanet 684, MedGen C0221055, MONDO:0008195, OMIM 168300. Disease mechanism: loss of function.
Congenital myasthenic syndrome 16. Identifiers: Orphanet 590, MedGen C3280112, MONDO:0013620, OMIM 614198.
Hypokalemic periodic paralysis, type 1. Also called: Hypokalemic Periodic Paralysis Type 1 (AD); HypoPP. Identifiers: Orphanet 681, MedGen C3714580, MONDO:0042979, OMIM 170400.
Potassium-aggravated myotonia. Also called: MYOTONIA CONGENITA, ACETAZOLAMIDE-RESPONSIVE; MYOTONIA CONGENITA, ATYPICAL; SODIUM CHANNEL MUSCLE DISEASE; Myotonia congenita, atypical, acetazolamide-responsive. Identifiers: Orphanet 612, Orphanet 99734, Orphanet 99735, Orphanet 99736, MedGen C2931826, MONDO:0018959, OMIM 608390.
Hypokalemic periodic paralysis, type 2 (HOKPP2). Identifiers: Orphanet 681, MedGen C2750061, MONDO:0013234, OMIM 613345.
Hyperkalemic periodic paralysis. Also called: Familial hyperkalemic periodic paralysis; Gamstorp disease. Identifiers: Orphanet 682, MedGen C0238357, MONDO:0008224, OMIM 170500, HP:0007215.

Allele frequency attached by ClinVar (database versions not stated): gnomAD exomes below 0.00001.
gnomAD v4.1: 2 of 1,613,668 alleles (0.00012%); highest among the groups gnomAD compares: Non-Finnish European, 0.00017%; no homozygotes.

Submissions (2):

Fulgent Genetics
Classification: Uncertain significance for Paramyotonia congenita of Von Eulenburg; Hypokalemic periodic paralysis, type 1; Hyperkalemic periodic paralysis; Potassium-aggravated myotonia; Hypokalemic periodic paralysis, type 2; Congenital myasthenic syndrome 16. Last evaluated: 2021-10-05. Review status: criteria provided, single submitter. Criteria: ACMG Guidelines, 2015. Collection method: clinical testing. Allele origin: unknown.

Labcorp Genetics (formerly Invitae), Labcorp
Classification: Uncertain significance for Hyperkalemic periodic paralysis. Last evaluated: 2021-06-17. Review status: criteria provided, single submitter. Criteria: Invitae Variant Classification Sherloc (09022015). Collection method: clinical testing. Allele origin: germline.
Comment: In summary, the available evidence is currently insufficient to determine the role of this variant in disease. Therefore, it has been classified as a Variant of Uncertain Significance. Algorithms developed to predict the effect of missense changes on protein structure and function are either unavailable or do not agree on the potential impact of this missense change (SIFT: "Deleterious"; PolyPhen-2: "Probably Damaging"; Align-GVGD: "Class C15"). This sequence change replaces valine with methionine at codon 667 of the SCN4A protein (p.Val667Met). The valine residue is highly conserved and there is a small physicochemical difference between valine and methionine. This variant is not present in population databases (ExAC no frequency). This variant has not been reported in the literature in individuals with SCN4A-related conditions.

NM_000334.4(SCN4A):c.1999G>A (p.Val667Met)

Gene: SCN4A (sodium voltage-gated channel alpha subunit 4; minus strand). Cytogenetic location: 17q23.3.
Variant type: single nucleotide variant.
Coding change: c.1999G>A on transcript NM_000334.4 (MANE Select); coding-DNA position 1999, G replaced by A.
Protein change: p.Val667Met; replaces valine 667 with methionine.
Molecular consequence: missense variant.
Genome position (GRCh38, 1-based): chr17:63,959,285, C>T on the plus strand (G>A on the coding strand, the complement: SCN4A is on the minus strand). VCF-style: chr17-63959285-C-T. GRCh37 (hg19) VCF-style: chr17-62036645-C-T.
Other names: short protein forms V667M.
Identifiers: ClinVar variation 1359091 (VCV001359091.9), dbSNP rs1487941051, ClinGen allele CA400631612.